The following is an entry in ClinVar:

ClinVar aggregate classification (germline): Likely benign. Review status: criteria provided, multiple submitters, no conflicts (2 of 4 stars). 2 submissions from 2 submitters: Likely benign (2). Last evaluated 2025-12-17.

Conditions:
SCYL1-related disorder. Also called: SCYL1-related condition.

Submissions (2):

PreventionGenetics, part of Exact Sciences
Classification: Likely benign for SCYL1-related condition. Last evaluated: 2025-12-17. Review status: criteria provided, single submitter. Criteria: ACMG Guidelines, 2015. Collection method: clinical testing. Allele origin: germline.
Comment: This variant is classified as likely benign based on ACMG/AMP sequence variant interpretation guidelines (Richards et al. 2015 PMID: 25741868, with internal and published modifications).

CeGaT Center for Human Genetics Tuebingen
Classification: Likely benign. Last evaluated: 2025-09-01. Review status: criteria provided, single submitter. Criteria: CeGaT Center For Human Genetics Tuebingen Variant Classification Criteria Version 2. Collection method: clinical testing. Allele origin: germline. Affected: yes. Observed: 1 variant allele.
Comment: SCYL1: BP4, BP7

NM_020680.4(SCYL1):c.1503C>T (p.Asn501=)

Gene: SCYL1 (SCY1 like pseudokinase 1; plus strand). Cytogenetic location: 11q13.1.
Variant type: single nucleotide variant.
Coding change: c.1503C>T on transcript NM_020680.4 (MANE Select); coding-DNA position 1503, C replaced by T.
Protein change: p.Asn501=; no amino-acid change (asparagine 501 retained).
Molecular consequence: synonymous variant.
Genome position (GRCh38, 1-based): chr11:65,536,069, C>T. VCF-style: chr11-65536069-C-T. GRCh37 (hg19) VCF-style: chr11-65303540-C-T.
Other names: c.1503C>T, p.Asn501= (NM_001425194.1, NM_001425195.1, NM_001425196.1 and 16 more transcripts); c.1248C>T, p.Asn416= (NM_001425199.1); c.1239C>T, p.Asn413= (NM_001425200.1); c.1074C>T, p.Asn358= (NM_001425203.1, NM_001425204.1, NM_001425205.1 and 2 more transcripts); c.891C>T, p.Asn297= (NM_001425208.1, NM_001425209.1, NM_001425210.1 and 1 more transcripts); c.1503C>T (NM_020680.3); c.1500C>T, p.Asn500= (NM_001425180.1, NM_001425183.1); c.1425C>T, p.Asn475= (NM_001425187.1); and 2 more.
Identifiers: ClinVar variation 4281024 (VCV004281024.8).